The following is an entry in ClinVar:

NM_002692.4(POLE2):c.287G>A (p.Arg96His)

Gene: POLE2 (DNA polymerase epsilon 2, accessory subunit; minus strand). Cytogenetic location: 14q21.3.
Variant type: single nucleotide variant.
Coding change: c.287G>A on transcript NM_002692.4 (MANE Select); coding-DNA position 287, G replaced by A.
Protein change: p.Arg96His; replaces arginine 96 with histidine.
Molecular consequence: missense variant. On other transcripts: intron variant (1).
Genome position (GRCh38, 1-based): chr14:49,674,386, C>T on the plus strand (G>A on the coding strand, the complement: POLE2 is on the minus strand). VCF-style: chr14-49674386-C-T. GRCh37 (hg19) VCF-style: chr14-50141104-C-T.
Other names: c.287G>A, p.Arg96His (NM_001197331.3, NM_001348384.2); c.56G>A, p.Arg19His (NM_001348385.2); c.246-170G>A (NM_001197330.2); short protein forms R19H, R96H.
Identifiers: ClinVar variation 4751543 (VCV004751543.1).

ClinVar aggregate classification (germline): Uncertain significance (1 of 4 stars; one submission).

gnomAD v4.1: 11 of 1,610,738 alleles (0.00068%); highest among the groups gnomAD compares: Non-Finnish European, 0.00085%; no homozygotes.

Submission:

Labcorp Genetics (formerly Invitae), Labcorp
Classification: Uncertain significance. Last evaluated: 2026-01-14. Review status: criteria provided, single submitter. Criteria: Invitae Variant Classification Sherloc (09022015). Collection method: clinical testing. Allele origin: germline.
Comment: This sequence change replaces arginine, which is basic and polar, with histidine, which is basic and polar, at codon 96 of the POLE2 protein (p.Arg96His). This variant is present in population databases (no rsID available, gnomAD 0.0009%). This variant has not been reported in the literature in individuals affected with POLE2-related conditions. An algorithm developed to predict the effect of missense changes on protein structure and function outputs the following: PolyPhen-2: "Benign". The histidine amino acid residue is found in multiple mammalian species, which suggests that this missense change does not adversely affect protein function. Algorithms developed to predict the effect of sequence changes on RNA splicing suggest that this variant may disrupt the consensus splice site. In summary, the available evidence is currently insufficient to determine the role of this variant in disease. Therefore, it has been classified as a Variant of Uncertain Significance.